The following is an entry in ClinVar:

NM_001330260.2(SCN8A):c.4765G>C (p.Asp1589His)

Gene: SCN8A (sodium voltage-gated channel alpha subunit 8; plus strand). Cytogenetic location: 12q13.13.
Variant type: single nucleotide variant.
Coding change: c.4765G>C on transcript NM_001330260.2 (MANE Select); coding-DNA position 4765, G replaced by C.
Protein change: p.Asp1589His; replaces aspartic acid 1589 with histidine.
Molecular consequence: missense variant.
Genome position (GRCh38, 1-based): chr12:51,794,611, G>C. VCF-style: chr12-51794611-G-C. GRCh37 (hg19) VCF-style: chr12-52188395-G-C.
Other names: c.4642G>C, p.Asp1548His (NM_001177984.3, NM_001369788.1); c.4765G>C, p.Asp1589His (NM_014191.4); short protein forms D1548H, D1589H.
Identifiers: ClinVar variation 3371203 (VCV003371203.1).

ClinVar aggregate classification (germline): Uncertain significance (1 of 4 stars; one submission).

Submission:

GeneDx
Classification: Uncertain significance. Last evaluated: 2024-03-21. Review status: criteria provided, single submitter. Criteria: GeneDx Variant Classification Process June 2021. Collection method: clinical testing. Allele origin: germline. Affected: yes.
Comment: Not observed at significant frequency in large population cohorts (gnomAD); In silico analysis supports that this missense variant has a deleterious effect on protein structure/function; Within the transmembrane segment S3 of the fourth homologous domain; Has not been previously published as pathogenic or benign to our knowledge